The following is an entry in ClinVar:

NM_175875.5(SIX5):c.938C>T (p.Ala313Val)

Genes: SIX5 (SIX homeobox 5; minus strand), LOC107075317 (origin of replication in DMPK trinucleotide repeat region; plus strand). Cytogenetic location: 19q13.32.
Variant type: single nucleotide variant.
Coding change: c.938C>T on transcript NM_175875.5 (MANE Select); coding-DNA position 938, C replaced by T.
Protein change: p.Ala313Val; replaces alanine 313 with valine.
Molecular consequence: missense variant.
Genome position (GRCh38, 1-based): chr19:45,767,021, G>A on the plus strand (C>T on the coding strand, the complement: SIX5 is on the minus strand). VCF-style: chr19-45767021-G-A. GRCh37 (hg19) VCF-style: chr19-46270279-G-A.
Other names: short protein forms A313V.
Identifiers: ClinVar variation 2961728 (VCV002961728.3), dbSNP rs760494716, ClinGen allele CA9520717.

ClinVar aggregate classification (germline): Uncertain significance (1 of 4 stars; one submission).

Allele frequency attached by ClinVar (database versions not stated): gnomAD exomes below 0.00001; ExAC 0.00001.
gnomAD v4.1: 4 of 1,608,552 alleles (0.00025%); highest among the groups gnomAD compares: South Asian, 0.0011%; no homozygotes.

Submission:

Labcorp Genetics (formerly Invitae), Labcorp
Classification: Uncertain significance. Last evaluated: 2024-01-04. Review status: criteria provided, single submitter. Criteria: Invitae Variant Classification Sherloc (09022015). Collection method: clinical testing. Allele origin: germline.
Comment: This sequence change replaces alanine, which is neutral and non-polar, with valine, which is neutral and non-polar, at codon 313 of the SIX5 protein (p.Ala313Val). The frequency data for this variant in the population databases is considered unreliable, as metrics indicate poor data quality at this position in the gnomAD database. This variant has not been reported in the literature in individuals affected with SIX5-related conditions. Advanced modeling of protein sequence and biophysical properties (such as structural, functional, and spatial information, amino acid conservation, physicochemical variation, residue mobility, and thermodynamic stability) performed at Invitae indicates that this missense variant is not expected to disrupt SIX5 protein function with a negative predictive value of 80%. In summary, the available evidence is currently insufficient to determine the role of this variant in disease. Therefore, it has been classified as a Variant of Uncertain Significance.